The following is an entry in ClinVar:

NM_001142800.2(EYS):c.5387T>A (p.Val1796Asp)

Gene: EYS (eyes shut homolog; minus strand). Cytogenetic location: 6q12.
Variant type: single nucleotide variant.
Coding change: c.5387T>A on transcript NM_001142800.2 (MANE Select); coding-DNA position 5387, T replaced by A.
Protein change: p.Val1796Asp; replaces valine 1796 with aspartic acid.
Molecular consequence: missense variant.
Genome position (GRCh38, 1-based): chr6:64,590,480, A>T on the plus strand (T>A on the coding strand, the complement: EYS is on the minus strand). VCF-style: chr6-64590480-A-T. GRCh37 (hg19) VCF-style: chr6-65300373-A-T.
Other names: c.5387T>A, p.Val1796Asp (NM_001292009.2); c.5387T>A (NM_001142800.1); short protein forms V1796D.
Identifiers: ClinVar variation 2202526 (VCV002202526.2), dbSNP rs753207221, ClinGen allele CA3877023.
Genomic context (GRCh38, chr6:64,590,480, plus strand): 5'-TCTGGCCTAATTACAGACATGGAGGAAGACGTCTGTATTGAAAGTGCTGGAGTTGCTGAA[A>T]CTGTATAAAATGCAACATTGGTGGTGACTTCTGAAAAATCAGGCACTGAGCCTGTCAATG-3'
Protein context (NP_001136272.1, residues 1786-1806): EVTTNVAFYT[Val1796Asp]SATPALSIQT

ClinVar aggregate classification (germline): Uncertain significance. Review status: criteria provided, multiple submitters, no conflicts (2 of 4 stars). 2 submissions from 2 submitters: Uncertain significance (2). Last evaluated 2025-04-25.

Conditions:
Inborn genetic diseases. Identifiers: MedGen C0950123, MeSH D030342.

Allele frequency attached by ClinVar (database versions not stated): gnomAD exomes 0.00005; TOPMed below 0.00001; ExAC 0.00061; gnomAD 0.00001.
gnomAD v4.1: 69 of 1,551,322 alleles (0.0044%); highest among the groups gnomAD compares: South Asian, 0.08%; no homozygotes.

Submissions (2):

Ambry Genetics
Classification: Uncertain significance for Inborn genetic diseases. Last evaluated: 2025-04-25. Review status: criteria provided, single submitter. Criteria: Ambry Variant Classification Scheme 2023. Collection method: clinical testing. Allele origin: germline.

Labcorp Genetics (formerly Invitae), Labcorp
Classification: Uncertain significance. Last evaluated: 2022-08-16. Review status: criteria provided, single submitter. Criteria: Invitae Variant Classification Sherloc (09022015). Collection method: clinical testing. Allele origin: germline.
Comment: This sequence change replaces valine, which is neutral and non-polar, with aspartic acid, which is acidic and polar, at codon 1796 of the EYS protein (p.Val1796Asp). This variant is present in population databases (rs753207221, gnomAD 0.1%). This variant has not been reported in the literature in individuals affected with EYS-related conditions. Algorithms developed to predict the effect of missense changes on protein structure and function (SIFT, PolyPhen-2, Align-GVGD) all suggest that this variant is likely to be disruptive. In summary, the available evidence is currently insufficient to determine the role of this variant in disease. Therefore, it has been classified as a Variant of Uncertain Significance.